The following is an entry in ClinVar:

ClinVar aggregate classification (germline): Uncertain significance (1 of 4 stars; one submission).

Conditions:
Autosomal recessive limb-girdle muscular dystrophy type 2P. Also called: MUSCULAR DYSTROPHY-DYSTROGLYCANOPATHY, LIMB-GIRDLE, DAG1-RELATED; Limb-Girdle Muscular Dystrophy Type 9C; MUSCULAR DYSTROPHY, LIMB-GIRDLE, TYPE 2P. Identifiers: Orphanet 280333, MedGen C4511963, MONDO:0013440, OMIM 613818.
Muscular dystrophy-dystroglycanopathy (congenital with brain and eye anomalies), type A9. Also called: WALKER-WARBURG SYNDROME OR MUSCLE-EYE BRAIN DISEASE, DAG1-RELATED; Muscular dystrophy-dystroglycanopathy (congenital with brain and eye anomalies), type a, 9. Identifiers: Orphanet 370997, Orphanet 899, MedGen C4225291, MONDO:0014683, OMIM 616538.

Allele frequency attached by ClinVar (database versions not stated): gnomAD 0.00001 and 0.00002; gnomAD exomes 0.00001 and 0.00006; TOPMed 0.00002; ExAC 0.00005.
gnomAD v4.1: 20 of 1,614,114 alleles (0.0012%); highest among the groups gnomAD compares: East Asian, 0.036%; no homozygotes.

Submission:

Labcorp Genetics (formerly Invitae), Labcorp
Classification: Uncertain significance for Autosomal recessive limb-girdle muscular dystrophy type 2P; Muscular dystrophy-dystroglycanopathy (congenital with brain and eye anomalies), type A9. Last evaluated: 2022-08-22. Review status: criteria provided, single submitter. Criteria: Invitae Variant Classification Sherloc (09022015). Collection method: clinical testing. Allele origin: germline.
Comment: This sequence change replaces alanine, which is neutral and non-polar, with glycine, which is neutral and non-polar, at codon 27 of the DAG1 protein (p.Ala27Gly). This variant is present in population databases (rs752128921, gnomAD 0.08%). This variant has not been reported in the literature in individuals affected with DAG1-related conditions. ClinVar contains an entry for this variant (Variation ID: 1475256). Algorithms developed to predict the effect of missense changes on protein structure and function (SIFT, PolyPhen-2, Align-GVGD) all suggest that this variant is likely to be tolerated. Algorithms developed to predict the effect of sequence changes on RNA splicing suggest that this variant may create or strengthen a splice site. In summary, the available evidence is currently insufficient to determine the role of this variant in disease. Therefore, it has been classified as a Variant of Uncertain Significance.

NM_004393.6(DAG1):c.80C>G (p.Ala27Gly)

Gene: DAG1 (dystroglycan 1; plus strand). Cytogenetic location: 3p21.31.
Variant type: single nucleotide variant.
Coding change: c.80C>G on transcript NM_004393.6 (MANE Select); coding-DNA position 80, C replaced by G.
Protein change: p.Ala27Gly; replaces alanine 27 with glycine.
Molecular consequence: missense variant.
Genome position (GRCh38, 1-based): chr3:49,510,614, C>G. VCF-style: chr3-49510614-C-G. GRCh37 (hg19) VCF-style: chr3-49548047-C-G.
Other names: c.80C>G, p.Ala27Gly (NM_001165928.4, NM_001177634.3, NM_001177635.3 and 9 more transcripts); short protein forms A27G.
Identifiers: ClinVar variation 1475256 (VCV001475256.5), dbSNP rs752128921, ClinGen allele CA2398817.